The following is an entry in ClinVar:

NM_012330.4(KAT6B):c.5634G>A (p.Met1878Ile)

Gene: KAT6B (lysine acetyltransferase 6B; plus strand). Cytogenetic location: 10q22.2.
Variant type: single nucleotide variant.
Coding change: c.5634G>A on transcript NM_012330.4 (MANE Select); coding-DNA position 5634, G replaced by A.
Protein change: p.Met1878Ile; replaces methionine 1878 with isoleucine.
Molecular consequence: missense variant.
Genome position (GRCh38, 1-based): chr10:75,030,458, G>A. VCF-style: chr10-75030458-G-A. GRCh37 (hg19) VCF-style: chr10-76790216-G-A.
Other names: c.5085G>A, p.Met1695Ile (NM_001256468.2, NM_001370138.1); c.4758G>A, p.Met1586Ile (NM_001256469.2, NM_001370142.1, NM_001370139.1 and 2 more transcripts); c.4569G>A, p.Met1523Ile (NM_001370143.1, NM_001370144.1); c.4596G>A, p.Met1532Ile (NM_001370132.1); c.3945G>A, p.Met1315Ile (NM_001370133.1); c.3549G>A, p.Met1183Ile (NM_001370134.1); c.3291G>A, p.Met1097Ile (NM_001370135.1); c.5634G>A, p.Met1878Ile (NM_001370136.1, NM_001370137.1); short protein forms M1097I, M1523I, M1315I, M1695I, M1183I, M1586I, M1532I, M1878I.
Identifiers: ClinVar variation 2750191 (VCV002750191.3), dbSNP rs2549213290, ClinGen allele CA377301849.
Genomic context (GRCh38, chr10:75,030,458, plus strand): 5'-TGTTCAACTTTCTCAGTCTCCACACTCCGTCCCTGGGGGACCCCAAGCACAAGCTACCAT[G>A]ACCCCACCCCCCAACCTGACTCCTCCTCCAATGAATCTGCCGCCGCCTCTTTTGCAACGG-3'
Protein context (NP_036462.2, residues 1868-1888): VPGGPQAQAT[Met1878Ile]TPPPNLTPPP

ClinVar aggregate classification (germline): Uncertain significance (1 of 4 stars; one submission).

Conditions:
Genitopatellar syndrome (GTPTS). Also called: ABSENT PATELLAE, SCROTAL HYPOPLASIA, RENAL ANOMALIES, FACIAL DYSMORPHISM, AND MENTAL RETARDATION; Genitopatellar syndrome (GPS). Identifiers: Orphanet 85201, MedGen C1853566, MONDO:0011640, OMIM 606170.

Allele frequency attached by ClinVar (database versions not stated): gnomAD exomes below 0.00001.

Submission:

Labcorp Genetics (formerly Invitae), Labcorp
Classification: Uncertain significance for Genitopatellar syndrome. Last evaluated: 2023-08-04. Review status: criteria provided, single submitter. Criteria: Invitae Variant Classification Sherloc (09022015). Collection method: clinical testing. Allele origin: germline.
Comment: This sequence change replaces methionine, which is neutral and non-polar, with isoleucine, which is neutral and non-polar, at codon 1878 of the KAT6B protein (p.Met1878Ile). This variant is not present in population databases (gnomAD no frequency). This variant has not been reported in the literature in individuals affected with KAT6B-related conditions. An algorithm developed to predict the effect of missense changes on protein structure and function (PolyPhen-2) suggests that this variant is likely to be disruptive. In summary, the available evidence is currently insufficient to determine the role of this variant in disease. Therefore, it has been classified as a Variant of Uncertain Significance.